The following is an entry in ClinVar:

ClinVar aggregate classification (germline): Uncertain significance (1 of 4 stars; one submission).

Conditions:
Cryptosporidiosis-chronic cholangitis-liver disease syndrome. Also called: Immunodeficiency type 56; IL21R immunodeficiency. Identifiers: Orphanet 357329, MedGen C3554687, MONDO:0014082, OMIM 615207.

Submission:

Labcorp Genetics (formerly Invitae), Labcorp
Classification: Uncertain significance for Cryptosporidiosis-chronic cholangitis-liver disease syndrome. Last evaluated: 2019-08-26. Review status: criteria provided, single submitter. Criteria: Invitae Variant Classification Sherloc (09022015). Collection method: clinical testing. Allele origin: germline.
Comment: In summary, the available evidence is currently insufficient to determine the role of this variant in disease. Therefore, it has been classified as a Variant of Uncertain Significance. Algorithms developed to predict the effect of missense changes on protein structure and function are either unavailable or do not agree on the potential impact of this missense change (SIFT: "Deleterious"; PolyPhen-2: "Benign"; Align-GVGD: "Class C25"). This variant has not been reported in the literature in individuals with IL21R-related conditions. This variant is not present in population databases (ExAC no frequency). This sequence change replaces valine with alanine at codon 374 of the IL21R protein (p.Val374Ala). The valine residue is moderately conserved and there is a small physicochemical difference between valine and alanine.

NM_181078.3(IL21R):c.1121T>C (p.Val374Ala)

Genes: IL21R (interleukin 21 receptor; plus strand), IL21R-AS1 (IL21R antisense RNA 1; minus strand). Cytogenetic location: 16p12.1.
Variant type: single nucleotide variant.
Coding change: c.1121T>C on transcript NM_181078.3 (MANE Select); coding-DNA position 1121, T replaced by C.
Protein change: p.Val374Ala; replaces valine 374 with alanine.
Molecular consequence: missense variant. On other transcripts: non-coding transcript variant (1).
Genome position (GRCh38, 1-based): chr16:27,448,787, T>C. VCF-style: chr16-27448787-T-C. GRCh37 (hg19) VCF-style: chr16-27460108-T-C.
Other names: c.1121T>C, p.Val374Ala (NM_021798.4); c.1187T>C, p.Val396Ala (NM_181079.5); short protein forms V396A, V374A.
Identifiers: ClinVar variation 953995 (VCV000953995.10), dbSNP rs2087533531, ClinGen allele CA395307334.
Genomic context (GRCh38, chr16:27,448,787, plus strand): 5'-CAGCCCAGAACTCGGGGGGCTCAGCTTACAGTGAGGAGAGGGATCGGCCATACGGCCTGG[T>C]GTCCATTGACACAGTGACTGTGCTAGATGCAGAGGGGCCATGCACCTGGCCCTGCAGCTG-3'
Protein context (NP_851564.1, residues 364-384): SEERDRPYGL[Val374Ala]SIDTVTVLDA